The following is an entry in ClinVar:

ClinVar aggregate classification (germline): Likely benign. Review status: criteria provided, single submitter (1 of 4 stars). 2 submissions from 2 submitters: Likely benign (1). 1 of the submissions does not count toward it. Last evaluated 2026-02-01.

Conditions:
BICC1-related disorder. Also called: BICC1-related condition.

Allele frequency attached by ClinVar (database versions not stated): gnomAD exomes 0.00021 and 0.00098; gnomAD 0.00037 and 0.00040; 1000 Genomes Project 0.00040; 1000 Genomes Project 30x 0.00047; ESP Exome Variant Server 0.00054; TOPMed 0.00077; ExAC 0.00081.
gnomAD v4.1: 357 of 1,613,826 alleles (0.022%); highest among the groups gnomAD compares: Admixed American, 0.43%; 1 homozygote.

Submissions (2):

Labcorp Genetics (formerly Invitae), Labcorp
Classification: Likely benign. Last evaluated: 2026-02-01. Review status: criteria provided, single submitter. Criteria: Invitae Variant Classification Sherloc (09022015). Collection method: clinical testing. Allele origin: germline.

PreventionGenetics, part of Exact Sciences
Classification: Benign for BICC1-related condition. Last evaluated: 2020-01-24. Review status: no assertion criteria provided. Collection method: clinical testing. Allele origin: germline. Not counted in ClinVar's aggregate classification.
Comment: This variant is classified as benign based on ACMG/AMP sequence variant interpretation guidelines (Richards et al. 2015 PMID: 25741868, with internal and published modifications).

NM_001080512.3(BICC1):c.2839C>T (p.Arg947Cys)

Gene: BICC1 (BicC family RNA binding protein 1; plus strand). Cytogenetic location: 10q21.1.
Variant type: single nucleotide variant.
Coding change: c.2839C>T on transcript NM_001080512.3 (MANE Select); coding-DNA position 2839, C replaced by T.
Protein change: p.Arg947Cys; replaces arginine 947 with cysteine.
Molecular consequence: missense variant.
Genome position (GRCh38, 1-based): chr10:58,828,805, C>T. VCF-style: chr10-58828805-C-T. GRCh37 (hg19) VCF-style: chr10-60588565-C-T.
Other names: c.2839C>T (NM_001080512.2); short protein forms R947C.
Identifiers: ClinVar variation 1661023 (VCV001661023.10), dbSNP rs149662454, ClinGen allele CA5508931.